The following is an entry in ClinVar:

NM_000245.4(MET):c.749T>C (p.Val250Ala)

Gene: MET (MET proto-oncogene, receptor tyrosine kinase; plus strand). Cytogenetic location: 7q31.2.
Variant type: single nucleotide variant.
Coding change: c.749T>C on transcript NM_000245.4 (MANE Select); coding-DNA position 749, T replaced by C.
Protein change: p.Val250Ala; replaces valine 250 with alanine.
Molecular consequence: missense variant. On other transcripts: intron variant (1).
Genome position (GRCh38, 1-based): chr7:116,699,833, T>C. VCF-style: chr7-116699833-T-C. GRCh37 (hg19) VCF-style: chr7-116339887-T-C.
Other names: c.749T>C (NM_001127500.1); c.749T>C, p.Val250Ala (NM_001127500.3, NM_001324401.3); c.-91+27256T>C (NM_001324402.2); short protein forms V250A.
Identifiers: ClinVar variation 1439216 (VCV001439216.8), dbSNP rs2116596855, ClinGen allele CA368969765.

ClinVar aggregate classification (germline): Uncertain significance. Review status: criteria provided, multiple submitters, no conflicts (2 of 4 stars). 3 submissions from 3 submitters: Uncertain significance (3). Last evaluated 2025-05-19.

Conditions:
Hereditary cancer-predisposing syndrome. Also called: Neoplastic Syndromes, Hereditary; Hereditary Cancer Syndrome; Hereditary neoplastic syndrome; Tumor predisposition. Identifiers: Orphanet 140162, MedGen C0027672, MeSH D009386, MONDO:0015356.
Renal cell carcinoma. Identifiers: Orphanet 217071, MedGen C0007134, MeSH D002292, MONDO:0005086, HP:0005584.

Allele frequency attached by ClinVar (database versions not stated): gnomAD exomes below 0.00001.

Submissions (3):

Labcorp Genetics (formerly Invitae), Labcorp
Classification: Uncertain significance for Renal cell carcinoma. Last evaluated: 2025-05-19. Review status: criteria provided, single submitter. Criteria: Invitae Variant Classification Sherloc (09022015). Collection method: clinical testing. Allele origin: germline.
Comment: This sequence change replaces valine, which is neutral and non-polar, with alanine, which is neutral and non-polar, at codon 250 of the MET protein (p.Val250Ala). This variant is not present in population databases (gnomAD no frequency). This variant has not been reported in the literature in individuals affected with MET-related conditions. ClinVar contains an entry for this variant (Variation ID: 1439216). Invitae Evidence Modeling of protein sequence and biophysical properties (such as structural, functional, and spatial information, amino acid conservation, physicochemical variation, residue mobility, and thermodynamic stability) has been performed for this missense variant. However, the output from this modeling did not meet the statistical confidence thresholds required to predict the impact of this variant on MET protein function. In summary, the available evidence is currently insufficient to determine the role of this variant in disease. Therefore, it has been classified as a Variant of Uncertain Significance.

Ambry Genetics
Classification: Uncertain significance for Hereditary cancer-predisposing syndrome. Last evaluated: 2025-05-13. Review status: criteria provided, single submitter. Criteria: Ambry Variant Classification Scheme 2023. Collection method: clinical testing. Allele origin: germline.
Comment: The p.V250A variant (also known as c.749T>C), located in coding exon 1 of the MET gene, results from a T to C substitution at nucleotide position 749. The valine at codon 250 is replaced by alanine, an amino acid with similar properties. This amino acid position is not well conserved in available vertebrate species. In addition, this alteration is predicted to be tolerated by in silico analysis. Based on the available evidence, the clinical significance of this variant remains unclear.

ARUP Laboratories, Molecular Genetics and Genomics, ARUP Laboratories
Classification: Uncertain significance. Last evaluated: 2024-03-13. Review status: criteria provided, single submitter. Criteria: ARUP Molecular Germline Variant Investigation Process 2024. Collection method: clinical testing. Allele origin: germline.
Comment: The MET c.749T>C; p.Val250Ala variant (rs2116596855), to our knowledge, is not reported in the medical literature but is reported in ClinVar (Variation ID: 1439216). This variant is absent from the Genome Aggregation Database (v2.1.1), indicating it is not a common polymorphism. Computational analyses are uncertain whether this variant is neutral or deleterious (REVEL: 0.341). Due to limited information, the clinical significance of this variant is uncertain at this time.